The following is an entry in ClinVar:

NM_005419.4(STAT2):c.116T>G (p.Ile39Ser)

Gene: STAT2 (signal transducer and activator of transcription 2; minus strand). Cytogenetic location: 12q13.3.
Variant type: single nucleotide variant.
Coding change: c.116T>G on transcript NM_005419.4 (MANE Select); coding-DNA position 116, T replaced by G.
Protein change: p.Ile39Ser; replaces isoleucine 39 with serine.
Molecular consequence: missense variant.
Genome position (GRCh38, 1-based): chr12:56,356,456, A>C on the plus strand (T>G on the coding strand, the complement: STAT2 is on the minus strand). VCF-style: chr12-56356456-A-C. GRCh37 (hg19) VCF-style: chr12-56750240-A-C.
Other names: c.116T>G, p.Ile39Ser (NM_001385110.1, NM_001385111.1, NM_001385113.1 and 3 more transcripts); short protein forms I39S.
Identifiers: ClinVar variation 2051936 (VCV002051936.4), dbSNP rs757152982, ClinGen allele CA385264094.

ClinVar aggregate classification (germline): Uncertain significance (1 of 4 stars; one submission).

Conditions:
Primary immunodeficiency with post-measles-mumps-rubella vaccine viral infection. Also called: Immunodeficiency 44. Identifiers: Orphanet 431166, MedGen C4225260, MONDO:0014715, OMIM 616636.

Submission:

Labcorp Genetics (formerly Invitae), Labcorp
Classification: Uncertain significance for Primary immunodeficiency with post-measles-mumps-rubella vaccine viral infection. Last evaluated: 2022-11-22. Review status: criteria provided, single submitter. Criteria: Invitae Variant Classification Sherloc (09022015). Collection method: clinical testing. Allele origin: germline.
Comment: This sequence change replaces isoleucine, which is neutral and non-polar, with serine, which is neutral and polar, at codon 39 of the STAT2 protein (p.Ile39Ser). This variant is not present in population databases (gnomAD no frequency). In summary, the available evidence is currently insufficient to determine the role of this variant in disease. Therefore, it has been classified as a Variant of Uncertain Significance. Advanced modeling of protein sequence and biophysical properties (such as structural, functional, and spatial information, amino acid conservation, physicochemical variation, residue mobility, and thermodynamic stability) performed at Invitae indicates that this missense variant is expected to disrupt STAT2 protein function. This variant has not been reported in the literature in individuals affected with STAT2-related conditions.